The following is an entry in ClinVar:

NM_006734.4(HIVEP2):c.4547C>T (p.Ser1516Phe)

Gene: HIVEP2 (HIVEP zinc finger 2; minus strand). Cytogenetic location: 6q24.2.
Variant type: single nucleotide variant.
Coding change: c.4547C>T on transcript NM_006734.4 (MANE Select); coding-DNA position 4547, C replaced by T.
Protein change: p.Ser1516Phe; replaces serine 1516 with phenylalanine.
Molecular consequence: missense variant.
Genome position (GRCh38, 1-based): chr6:142,770,192, G>A on the plus strand (C>T on the coding strand, the complement: HIVEP2 is on the minus strand). VCF-style: chr6-142770192-G-A. GRCh37 (hg19) VCF-style: chr6-143091329-G-A.
Other names: short protein forms S1516F.
Identifiers: ClinVar variation 3661772 (VCV003661772.2).

ClinVar aggregate classification (germline): Uncertain significance (1 of 4 stars; one submission).

Submission:

Labcorp Genetics (formerly Invitae), Labcorp
Classification: Uncertain significance. Last evaluated: 2024-08-08. Review status: criteria provided, single submitter. Criteria: Invitae Variant Classification Sherloc (09022015). Collection method: clinical testing. Allele origin: germline.
Comment: This sequence change replaces serine, which is neutral and polar, with phenylalanine, which is neutral and non-polar, at codon 1516 of the HIVEP2 protein (p.Ser1516Phe). This variant is not present in population databases (gnomAD no frequency). This variant has not been reported in the literature in individuals affected with HIVEP2-related conditions. An algorithm developed to predict the effect of missense changes on protein structure and function (PolyPhen-2) suggests that this variant is likely to be disruptive. In summary, the available evidence is currently insufficient to determine the role of this variant in disease. Therefore, it has been classified as a Variant of Uncertain Significance.